The following is an entry in ClinVar:

ClinVar aggregate classification (germline): Pathogenic. Review status: criteria provided, multiple submitters, no conflicts (2 of 4 stars). 5 submissions from 5 submitters: Pathogenic (3). 2 of the submissions do not count toward it. Last evaluated 2021-04-01.

Conditions:
Bifunctional peroxisomal enzyme deficiency (DBIF). Also called: PBFE DEFICIENCY; DBP DEFICIENCY; D-bifunctional protein deficiency. Identifiers: Orphanet 300, MedGen C0342870, MONDO:0009855, OMIM 261515. Disease mechanism: loss of function.
Perrault syndrome. Also called: Gonadal dysgenesis with auditory dysfunction, autosomal recessive inheritance. Identifiers: Orphanet 2855, MedGen C0685838, MONDO:0017312.

Allele frequency attached by ClinVar (database versions not stated): gnomAD exomes below 0.00001 and 0.00001; ExAC 0.00001; TOPMed 0.00001.
gnomAD v4.1: 8 of 1,612,154 alleles (0.0005%); highest among the groups gnomAD compares: Non-Finnish European, 0.00059%; no homozygotes.

Submissions (5):

Revvity Omics, Revvity
Classification: Pathogenic. Last evaluated: 2021-04-01. Review status: criteria provided, single submitter. Criteria: ACMG Guidelines, 2015. Collection method: clinical testing. Allele origin: germline.

Women's Health and Genetics/Laboratory Corporation of America, LabCorp
Classification: Pathogenic for Bifunctional peroxisomal enzyme deficiency. Last evaluated: 2019-05-20. Review status: criteria provided, single submitter. Criteria: LabCorp Variant Classification Summary - May 2015. Collection method: clinical testing. Allele origin: germline.
Comment: Variant summary: HSD17B4 c.2029C>T (p.Gln677X) results in a premature termination codon, predicted to cause a truncation of the encoded protein or absence of the protein due to nonsense mediated decay, which are commonly known mechanisms for disease. The variant allele was found at a frequency of 4e-06 in 251098 control chromosomes (gnomAD). c.2029C>T has been reported in the literature in a homozygous individual affected with D-Bifunctional Protein Deficiency type I (Ferdinandusse_2006). This study also reported experimental evidence evaluating an impact on protein function, and demonstrated the complete lack of protein and enzymatic activity in patient derived fibroblasts (Ferdinandusse_2006). One clinical diagnostic laboratory has submitted clinical-significance assessments for this variant to ClinVar after 2014 without evidence for independent evaluation, and classified the variant as likely pathogenic. Based on the evidence outlined above, the variant was classified as pathogenic.

Labcorp Genetics (formerly Invitae), Labcorp
Classification: Pathogenic for Perrault syndrome; Bifunctional peroxisomal enzyme deficiency. Last evaluated: 2019-02-01. Review status: criteria provided, single submitter. Criteria: Invitae Variant Classification Sherloc (09022015). Collection method: clinical testing. Allele origin: germline.
Comment: This sequence change creates a premature translational stop signal (p.Gln677*) in the HSD17B4 gene. It is expected to result in an absent or disrupted protein product. This variant is present in population databases (rs751646311, ExAC 0.002%). For these reasons, this variant has been classified as Pathogenic. Loss-of-function variants in HSD17B4 are known to be pathogenic (PMID: 11810648, 16385454). This variant has been observed in individuals affected with D-bifunctional protein deficiency (PMID: 16385454).

Clinical Laboratory Sciences Program (CLSP), King Saud bin Abdulaziz University for Health Sciences (KSAU-HS)
Classification: Pathogenic for Bifunctional peroxisomal enzyme deficiency. Last evaluated: 2023-04-01. Review status: no assertion criteria provided. Collection method: clinical testing. Allele origin: germline. Affected: yes. Not counted in ClinVar's aggregate classification.

Counsyl
Classification: Likely pathogenic for Bifunctional peroxisomal enzyme deficiency. Last evaluated: 2017-05-15. Review status: no assertion criteria provided. Collection method: clinical testing. Allele origin: unknown. Not counted in ClinVar's aggregate classification.

Literature cited by the submitters: PubMed 16385454 (cited by 3 submitters); PubMed 11810648 (cited by Labcorp Genetics (formerly Invitae), Labcorp).

NM_000414.4(HSD17B4):c.2029C>T (p.Gln677Ter)

Gene: HSD17B4 (hydroxysteroid 17-beta dehydrogenase 4; plus strand). Cytogenetic location: 5q23.1.
Variant type: single nucleotide variant.
Coding change: c.2029C>T on transcript NM_000414.4 (MANE Select); coding-DNA position 2029, C replaced by T.
Protein change: p.Gln677Ter; replaces glutamine 677 with a stop codon.
Molecular consequence: nonsense.
Genome position (GRCh38, 1-based): chr5:119,536,458, C>T. VCF-style: chr5-119536458-C-T. GRCh37 (hg19) VCF-style: chr5-118872153-C-T.
Other names: c.2104C>T, p.Gln702Ter (NM_001199291.3); c.1975C>T, p.Gln659Ter (NM_001199292.2); c.1957C>T, p.Gln653Ter (NM_001292027.2); c.1609C>T, p.Gln537Ter (NM_001292028.2); c.2104C>T (NM_001199291.1); short protein forms Q677*, Q653*, Q659*, Q537*, Q702*.
Identifiers: ClinVar variation 551750 (VCV000551750.33), dbSNP rs751646311, ClinGen allele CA3382498.